The following is an entry in ClinVar:

ClinVar aggregate classification (germline): Uncertain significance. Review status: criteria provided, multiple submitters, no conflicts (2 of 4 stars). 2 submissions from 2 submitters: Uncertain significance (2). Last evaluated 2025-01-05.

Conditions:
Cardiovascular phenotype. Identifiers: MedGen CN230736.

Allele frequency attached by ClinVar (database versions not stated): gnomAD exomes below 0.00001.
gnomAD v4.1: 2 of 1,614,142 alleles (0.00012%); highest among the groups gnomAD compares: Non-Finnish European, 0.00017%; no homozygotes.

Submissions (2):

Ambry Genetics
Classification: Uncertain significance for Cardiovascular phenotype. Last evaluated: 2025-01-05. Review status: criteria provided, single submitter. Criteria: Ambry Variant Classification Scheme 2023. Collection method: clinical testing. Allele origin: germline.
Comment: The p.A208T variant (also known as c.622G>A), located in coding exon 4 of the CBL gene, results from a G to A substitution at nucleotide position 622. The alanine at codon 208 is replaced by threonine, an amino acid with similar properties. This amino acid position is conserved. In addition, this alteration is predicted to be tolerated by in silico analysis. Based on the available evidence, the clinical significance of this variant remains unclear.

GeneDx
Classification: Uncertain significance. Last evaluated: 2019-07-02. Review status: criteria provided, single submitter. Criteria: GeneDx Variant Classification Process June 2021. Collection method: clinical testing. Allele origin: germline. Affected: yes.
Comment: Not observed in large population cohorts (Lek et al., 2016); In silico analysis, which includes protein predictors and evolutionary conservation, supports that this variant does not alter protein structure/function; Has not been previously published as pathogenic or benign to our knowledge

NM_005188.4(CBL):c.622G>A (p.Ala208Thr)

Gene: CBL (Cbl proto-oncogene; plus strand). Cytogenetic location: 11q23.3.
Variant type: single nucleotide variant.
Coding change: c.622G>A on transcript NM_005188.4 (MANE Select); coding-DNA position 622, G replaced by A.
Protein change: p.Ala208Thr; replaces alanine 208 with threonine.
Molecular consequence: missense variant.
Genome position (GRCh38, 1-based): chr11:119,273,899, G>A. VCF-style: chr11-119273899-G-A. GRCh37 (hg19) VCF-style: chr11-119144609-G-A.
Other names: short protein forms A208T.
Identifiers: ClinVar variation 1302348 (VCV001302348.3), dbSNP rs2135298769, ClinGen allele CA382909018.
Genomic context (GRCh38, chr11:119,273,899, plus strand): 5'-TTTATGCCTCCTCTCCACCCCCTCCCCAGGACAATAGTCCCTTGGAAGAGCTTTCGACAG[G>A]CTCTACATGAAGTGCATCCCATCAGTTCTGGGCTGGAGGCCATGGCTCTGAAATCCACTA-3'
Protein context (NP_005179.2, residues 198-218): TIVPWKSFRQ[Ala208Thr]LHEVHPISSG